The following is an entry in ClinVar:

NM_000057.4(BLM):c.2335A>T (p.Thr779Ser)

Gene: BLM (BLM RecQ like helicase; plus strand). Cytogenetic location: 15q26.1.
Variant type: single nucleotide variant.
Coding change: c.2335A>T on transcript NM_000057.4 (MANE Select); coding-DNA position 2335, A replaced by T.
Protein change: p.Thr779Ser; replaces threonine 779 with serine.
Molecular consequence: missense variant.
Genome position (GRCh38, 1-based): chr15:90,769,160, A>T. VCF-style: chr15-90769160-A-T. GRCh37 (hg19) VCF-style: chr15-91312390-A-T.
Other names: c.2335A>T, p.Thr779Ser (NM_001287246.2, NM_001287247.2); c.1210A>T, p.Thr404Ser (NM_001287248.2); short protein forms T404S, T779S.
Identifiers: ClinVar variation 3704268 (VCV003704268.2).

ClinVar aggregate classification (germline): Uncertain significance (1 of 4 stars; one submission).

Conditions:
Bloom syndrome (BLM). Also called: Bloom-Torre-Machacek syndrome. Identifiers: Orphanet 125, MedGen C0005859, MONDO:0008876, OMIM 210900.

Submission:

Labcorp Genetics (formerly Invitae), Labcorp
Classification: Uncertain significance for Bloom syndrome. Last evaluated: 2024-09-25. Review status: criteria provided, single submitter. Criteria: Invitae Variant Classification Sherloc (09022015). Collection method: clinical testing. Allele origin: germline.
Comment: This sequence change replaces threonine, which is neutral and polar, with serine, which is neutral and polar, at codon 779 of the BLM protein (p.Thr779Ser). This variant is not present in population databases (gnomAD no frequency). This variant has not been reported in the literature in individuals affected with BLM-related conditions. Invitae Evidence Modeling of protein sequence and biophysical properties (such as structural, functional, and spatial information, amino acid conservation, physicochemical variation, residue mobility, and thermodynamic stability) indicates that this missense variant is not expected to disrupt BLM protein function with a negative predictive value of 80%. In summary, the available evidence is currently insufficient to determine the role of this variant in disease. Therefore, it has been classified as a Variant of Uncertain Significance.